The following is an entry in ClinVar:

ClinVar aggregate classification (germline): Uncertain significance (1 of 4 stars; one submission).

Submission:

Women's Health and Genetics/Laboratory Corporation of America, LabCorp
Classification: Uncertain significance. Last evaluated: 2025-07-03. Review status: criteria provided, single submitter. Criteria: LabCorp Variant Classification Summary - May 2015. Collection method: clinical testing. Allele origin: germline.
Comment: Variant summary: ASL c.688A>T (p.Met230Leu) results in a conservative amino acid change in the encoded protein sequence. Algorithms developed to predict the effect of missense changes on protein structure and function are either unavailable or do not agree on the potential impact of this missense change. The variant was absent in 251338 control chromosomes. The available data on variant occurrences in the general population are insufficient to allow any conclusion about variant significance. To our knowledge, no occurrence of c.688A>T in individuals affected with Argininosuccinic Aciduria and no experimental evidence demonstrating its impact on protein function have been reported. No submitters have cited clinical-significance assessments for this variant to ClinVar. Based on the evidence outlined above, the variant was classified as uncertain significance.

NM_000048.4(ASL):c.688A>T (p.Met230Leu)

Gene: ASL (argininosuccinate lyase; plus strand). Cytogenetic location: 7q11.21.
Variant type: single nucleotide variant.
Coding change: c.688A>T on transcript NM_000048.4 (MANE Select); coding-DNA position 688, A replaced by T.
Protein change: p.Met230Leu; replaces methionine 230 with leucine.
Molecular consequence: missense variant.
Genome position (GRCh38, 1-based): chr7:66,087,761, A>T. VCF-style: chr7-66087761-A-T. GRCh37 (hg19) VCF-style: chr7-65552748-A-T.
Other names: c.688A>T, p.Met230Leu (NM_001024943.2, NM_001024944.2); c.610A>T, p.Met204Leu (NM_001024946.2); short protein forms M204L, M230L.
Identifiers: ClinVar variation 3911948 (VCV003911948.2).